The following is an entry in ClinVar:

ClinVar aggregate classification (germline): Uncertain significance (1 of 4 stars; one submission).

Submission:

Labcorp Genetics (formerly Invitae), Labcorp
Classification: Uncertain significance. Last evaluated: 2024-12-02. Review status: criteria provided, single submitter. Criteria: Invitae Variant Classification Sherloc (09022015). Collection method: clinical testing. Allele origin: germline.
Comment: This sequence change replaces proline, which is neutral and non-polar, with alanine, which is neutral and non-polar, at codon 1264 of the SNRNP200 protein (p.Pro1264Ala). This variant is not present in population databases (gnomAD no frequency). This variant has not been reported in the literature in individuals affected with SNRNP200-related conditions. ClinVar contains an entry for this variant (Variation ID: 2115439). Invitae Evidence Modeling of protein sequence and biophysical properties (such as structural, functional, and spatial information, amino acid conservation, physicochemical variation, residue mobility, and thermodynamic stability) has been performed for this missense variant. However, the output from this modeling did not meet the statistical confidence thresholds required to predict the impact of this variant on SNRNP200 protein function. In summary, the available evidence is currently insufficient to determine the role of this variant in disease. Therefore, it has been classified as a Variant of Uncertain Significance.

NM_014014.5(SNRNP200):c.3790C>G (p.Pro1264Ala)

Gene: SNRNP200 (small nuclear ribonucleoprotein U5 subunit 200; minus strand). Cytogenetic location: 2q11.2.
Variant type: single nucleotide variant.
Coding change: c.3790C>G on transcript NM_014014.5 (MANE Select); coding-DNA position 3790, C replaced by G.
Protein change: p.Pro1264Ala; replaces proline 1264 with alanine.
Molecular consequence: missense variant.
Genome position (GRCh38, 1-based): chr2:96,286,727, G>C on the plus strand (C>G on the coding strand, the complement: SNRNP200 is on the minus strand). VCF-style: chr2-96286727-G-C. GRCh37 (hg19) VCF-style: chr2-96952465-G-C.
Other names: short protein forms P1264A.
Identifiers: ClinVar variation 2115439 (VCV002115439.4), dbSNP rs2467327908, ClinGen allele CA347671264.